The following is an entry in ClinVar:

NC_000015.9:g.34760648_34800595del

Variant type: Deletion.
Identifiers: ClinVar variation 157340 (VCV000157340.2).

ClinVar aggregate classification (germline): not provided. Review status: no classification provided (0 of 4 stars). 2 submissions from 1 submitter: not provided (2).

Conditions:
Normal pregnancy. Identifiers: MedGen C0232989.
Gestational diabetes mellitus uncontrolled. Identifiers: MedGen C3532257.

Submissions (2):

Institute of Molecular and Cell Biology, University of Tartu
No classification provided. Condition: Normal pregnancy. Review status: no classification provided. Collection method: case-control. Allele origin: unknown. Affected: yes. Study: Kasak2014.
Comment: The study aimed to determine the contribution of copy number variants in the genetic etiology of normal and complicated pregnancies. The samples represented (i) maternal blood DNA drawn from healthy pregnant women during 1st or 2nd trimester and (ii) maternal and paternal blood DNA drawn at term pregnancy cases representing normal and complicated gestations (severe preeclampsia, PE; gestational diabetes, GD; small-for-gestational age newborn, SGA; large-for-gestational age newborn, LGA). We performed CNV calling based on genome-wide genotyping dataset (Illumina HumanOmniExpress-24-v1 BeadChip) by applying three algorithms, QuantiSNP, GADA (Genome Alteration Detection Algorithm) and CNstream in parallel. The acquired CNV calls were merged with HD-CNV (Hotspot Detector for Copy Number Variants) program and only the CNVs predicted by at least two programs, were considered in subsequent analysis.

Institute of Molecular and Cell Biology, University of Tartu
No classification provided. Condition: Gestational diabetes mellitus uncontrolled. Review status: no classification provided. Collection method: case-control. Allele origin: unknown. Affected: yes. Study: Kasak2014.
Comment: the same text as in the submission from Institute of Molecular and Cell Biology, University of Tartu above.

Literature cited by the submitters: PubMed 25666259.